The following is an entry in ClinVar:

ClinVar aggregate classification (germline): Uncertain significance. Review status: criteria provided, multiple submitters, no conflicts (2 of 4 stars). 3 submissions from 3 submitters: Uncertain significance (3). Last evaluated 2025-11-26.

Conditions:
IFT74-related disorder. Also called: IFT74-related condition; IFT74-Related Disorders.
Inborn genetic diseases. Identifiers: MedGen C0950123, MeSH D030342.

Allele frequency attached by ClinVar (database versions not stated): gnomAD exomes 0.00002.
gnomAD v4.1: 27 of 1,590,864 alleles (0.0017%); highest among the groups gnomAD compares: Non-Finnish European, 0.0021%; no homozygotes.

Submissions (3):

Ambry Genetics
Classification: Uncertain significance for Inborn genetic diseases. Last evaluated: 2025-11-26. Review status: criteria provided, single submitter. Criteria: Ambry Variant Classification Scheme 2023. Collection method: clinical testing. Allele origin: germline.

Labcorp Genetics (formerly Invitae), Labcorp
Classification: Uncertain significance. Last evaluated: 2022-11-01. Review status: criteria provided, single submitter. Criteria: Invitae Variant Classification Sherloc (09022015). Collection method: clinical testing. Allele origin: germline.
Comment: In summary, the available evidence is currently insufficient to determine the role of this variant in disease. Therefore, it has been classified as a Variant of Uncertain Significance. Algorithms developed to predict the effect of missense changes on protein structure and function (SIFT, PolyPhen-2, Align-GVGD) all suggest that this variant is likely to be tolerated. This variant has not been reported in the literature in individuals affected with IFT74-related conditions. The frequency data for this variant in the population databases is considered unreliable, as metrics indicate poor data quality at this position in the gnomAD database. This sequence change replaces threonine, which is neutral and polar, with lysine, which is basic and polar, at codon 327 of the IFT74 protein (p.Thr327Lys).

PreventionGenetics, part of Exact Sciences
Classification: Uncertain significance for IFT74-related condition. Last evaluated: 2022-09-07. Review status: criteria provided, single submitter. Criteria: ACMG Guidelines, 2015. Collection method: clinical testing. Allele origin: germline.
Comment: The IFT74 c.980C>A variant is predicted to result in the amino acid substitution p.Thr327Lys. To our knowledge, this variant has not been reported in the literature. This variant is reported in 0.00091% of alleles in individuals of European (Non-Finnish) descent in gnomAD. At this time, the clinical significance of this variant is uncertain due to the absence of conclusive functional and genetic evidence.

NM_025103.4(IFT74):c.980C>A (p.Thr327Lys)

Gene: IFT74 (intraflagellar transport 74; plus strand). Cytogenetic location: 9p21.2.
Variant type: single nucleotide variant.
Coding change: c.980C>A on transcript NM_025103.4 (MANE Select); coding-DNA position 980, C replaced by A.
Protein change: p.Thr327Lys; replaces threonine 327 with lysine.
Molecular consequence: missense variant.
Genome position (GRCh38, 1-based): chr9:27,029,030, C>A. VCF-style: chr9-27029030-C-A. GRCh37 (hg19) VCF-style: chr9-27029028-C-A.
Other names: c.980C>A (NM_025103.2, NM_001099222.1); c.980C>A, p.Thr327Lys (NM_001099222.3, NM_001099223.3, NM_001099224.3 and 1 more transcripts); short protein forms T327K.
Identifiers: ClinVar variation 1898523 (VCV001898523.5), dbSNP rs977036923, ClinGen allele CA191335984.